The following is an entry in ClinVar:

ClinVar aggregate classification (germline): Uncertain significance (1 of 4 stars; one submission).

Submission:

GeneDx
Classification: Uncertain significance. Last evaluated: 2025-07-17. Review status: criteria provided, single submitter. Criteria: GeneDx Variant Classification Process June 2021. Collection method: clinical testing. Allele origin: germline. Affected: yes.
Comment: Not observed at significant frequency in large population cohorts (gnomAD); In silico analysis suggests that this missense variant does not alter protein structure/function; Has not been previously published as pathogenic or benign to our knowledge

NM_130839.5(UBE3A):c.697A>T (p.Ile233Phe)

Genes: SNHG14 (small nucleolar RNA host gene 14; plus strand), UBE3A (ubiquitin protein ligase E3A; minus strand). Cytogenetic location: 15q11.2.
Variant type: single nucleotide variant.
Coding change: c.697A>T on transcript NM_130839.5 (MANE Select); coding-DNA position 697, A replaced by T.
Protein change: p.Ile233Phe; replaces isoleucine 233 with phenylalanine.
Molecular consequence: missense variant. On other transcripts: non-coding transcript variant (1), intron variant (2).
Genome position (GRCh38, 1-based): chr15:25,371,477, T>A on the plus strand (A>T on the coding strand, the complement: UBE3A is on the minus strand). VCF-style: chr15-25371477-T-A. GRCh37 (hg19) VCF-style: chr15-25616624-T-A.
Other names: c.706A>T, p.Ile236Phe (NM_000462.5); c.697A>T, p.Ile233Phe (NM_001354505.1, NM_001354538.2, NM_001354545.2); c.637A>T, p.Ile213Phe (NM_001354506.2, NM_001354507.2, NM_001354508.2 and 17 more transcripts); c.520A>T, p.Ile174Phe (NM_001354546.2); c.301+3988A>T (NM_001354551.2); c.361+3988A>T (NM_001354550.2); short protein forms I174F, I213F, I233F, I236F.
Identifiers: ClinVar variation 4686134 (VCV004686134.1).